The following is an entry in ClinVar:

ClinVar aggregate classification (germline): Pathogenic. Review status: criteria provided, multiple submitters, no conflicts (2 of 4 stars). 15 submissions from 15 submitters: Pathogenic (11). 4 of the submissions do not count toward it. Last evaluated 2025-11-04.

Conditions:
KCNJ2-related disorder. Also called: KCNJ2-related condition.
Cardiovascular phenotype. Identifiers: MedGen CN230736.
Familial long QT syndrome (RWS). Also called: Romano-Ward syndrome; VENTRICULAR FIBRILLATION WITH PROLONGED QT INTERVAL; Congenital long QT syndrome. Identifiers: Orphanet 768, MedGen C1141890, MONDO:0019171.
Short QT syndrome type 3. Identifiers: Orphanet 51083, MedGen C1865018, MONDO:0012314, OMIM 609622.
Atrial fibrillation, familial, 9 (ATFB9). Identifiers: MedGen C3151431, MONDO:0013513, OMIM 613980.
Andersen Tawil syndrome (LQT7). Also called: LONG QT SYNDROME 7; Andersen Syndrome; Potassium-sensitive periodic paralysis, ventricular ectopy, and dysmorphic features; PERIODIC PARALYSIS, POTASSIUM-SENSITIVE CARDIODYSRHYTHMIC TYPE; ANDERSEN CARDIODYSRHYTHMIC PERIODIC PARALYSIS. Identifiers: Orphanet 37553, MedGen C1563715, MONDO:0008222, OMIM 170390.

gnomAD v4.1: 1 of 1,614,198 alleles (0.000062%); highest among the groups gnomAD compares: Non-Finnish European, 0.000085%; no homozygotes.

Submissions 1 to 7 of 15:

Labcorp Genetics (formerly Invitae), Labcorp
Classification: Pathogenic for Short QT syndrome type 3; Andersen Tawil syndrome. Last evaluated: 2025-11-04. Review status: criteria provided, single submitter. Criteria: Invitae Variant Classification Sherloc (09022015). Collection method: clinical testing. Allele origin: germline.
Comment: This sequence change replaces arginine, which is basic and polar, with tryptophan, which is neutral and slightly polar, at codon 67 of the KCNJ2 protein (p.Arg67Trp). This variant is not present in population databases (gnomAD no frequency). This missense change has been observed in individual(s) with Andersen-Tawil syndrome (PMID: 12148092, 12796536, 17221872, 22589293, 22806368, 23867365). In at least one individual the variant was observed to be de novo. It has also been observed to segregate with disease in related individuals. ClinVar contains an entry for this variant (Variation ID: 8923). Invitae Evidence Modeling of protein sequence and biophysical properties (such as structural, functional, and spatial information, amino acid conservation, physicochemical variation, residue mobility, and thermodynamic stability) indicates that this missense variant is expected to disrupt KCNJ2 protein function with a positive predictive value of 95%. Experimental studies have shown that this missense change affects KCNJ2 function (PMID: 12148092, 20713726). For these reasons, this variant has been classified as Pathogenic.

3billion
Classification: Pathogenic for Andersen Tawil syndrome. Last evaluated: 2025-07-03. Review status: criteria provided, single submitter. Criteria: ACMG Guidelines, 2015. Collection method: clinical testing. Allele origin: germline. Affected: yes.
Comment: The variant is observed at an extremely low frequency in the gnomAD v4.1.0 dataset (total allele frequency: <0.001%). Predicted Consequence/Location: Missense variant. Missense changes are a common disease-causing mechanism. In silico tool predictions suggest damaging effect of the variant on gene or gene product [REVEL: 0.94 (>=0.6, sensitivity 0.68 and specificity 0.92); 3Cnet: 0.76 (> 0.75, sensitivity 0.96 and precision 0.92)]. The same nucleotide change resulting in the same amino acid change has been previously reported as pathogenic/likely pathogenic with strong evidence (ClinVar ID: VCV000008923 /PMID: 12148092). A different missense change at the same codon (p.Arg67Gln) has been reported as pathogenic/likely pathogenic with strong evidence (ClinVar ID: VCV000067560 /PMID: 17221872). Therefore, this variant is classified as Pathogenic according to the recommendation of ACMG/AMP guideline.

Ambry Genetics
Classification: Pathogenic for Cardiovascular phenotype. Last evaluated: 2025-01-06. Review status: criteria provided, single submitter. Criteria: Ambry Variant Classification Scheme 2023. Collection method: clinical testing. Allele origin: germline.
Comment: The p.R67W pathogenic mutation (also known as c.199C>T), located in coding exon 1 of the KCNJ2 gene, results from a C to T substitution at nucleotide position 199. The arginine at codon 67 is replaced by tryptophan, an amino acid with dissimilar properties. This mutation has been reported in multiple individuals with Andersen-Tawil syndrome, including de novo occurrence as well as strong segregation with disease in affected families (Andelfinger G et al. Am. J. Hum. Genet., 2002 Sep;71:663-8; Davies NP et al. Neurology, 2005 Oct;65:1083-9; Haruna Y et al. Hum. Mutat., 2007 Feb;28:208; Delannoy E et al. Europace, 2013 Dec;15:1805-11). This mutation has also been reported in long QT syndrome and primary periodic paralysis cohorts (Lieve KV et al. Genet Test Mol Biomarkers, 2013 Jul;17:553-61; Luo S et al. BMC Neurol, 2019 May;19:92). Limited functional studies demonstrated significant impact on potassium channel function (Andelfinger G et al. Am. J. Hum. Genet., 2002 Sep;71:663-8). This amino acid position is highly conserved in available vertebrate species. In addition, this alteration is predicted to be deleterious by in silico analysis. This variant is considered to be rare based on population cohorts in the Genome Aggregation Database (gnomAD). Based on the supporting evidence, this variant is interpreted as a disease-causing mutation.

Blueprint Genetics
Classification: Pathogenic for KCNJ2-related disorders. Last evaluated: 2024-07-12. Review status: criteria provided, single submitter. Criteria: ACMG Guidelines, 2015. Collection method: clinical testing. Allele origin: germline. Affected: yes. Observed: 3 variant alleles.

GeneDx
Classification: Pathogenic. Last evaluated: 2022-04-20. Review status: criteria provided, single submitter. Criteria: GeneDx Variant Classification Process June 2021. Collection method: clinical testing. Allele origin: germline. Affected: yes.
Comment: Observed in multiple unrelated patients from different ethnic backgrounds with KCNJ2-related disorders referred for genetic testing at GeneDx and in published literature (Andelfinger et al., 2002; Donaldson et al., 2003; Chun et al., 2004; Davies et al., 2005; Haruna et al., 2007; Kimura et al., 2012; Tan et al., 2012; Jabbari et al., 2013; Lieve et al., 2013; Song et al., 2016); Not observed at significant frequency in large population cohorts (gnomAD); In silico analysis supports that this missense variant has a deleterious effect on protein structure/function; Published functional studies demonstrate the variant alters channel function (Donaldson et al., 2003; Andelfinger et al., 2002); This variant is associated with the following publications: (PMID: 11841151, 22589293, 15851159, 24561538, 23631430, 24025405, 17221872, 16217063, 22806368, 12796536, 20301441, 11861044, 27145478, 31068157, 31509255, 31567646, 23867365, 20713726, 15911703, 26582918, 32499698, 12148092)

Petrovsky National Research Centre of Surgery, The Federal Agency for Scientific Organizations
Classification: Pathogenic for Andersen Tawil syndrome. Last evaluated: 2021-12-17. Review status: criteria provided, single submitter. Criteria: ACMG Guidelines, 2015. Collection method: clinical testing. Allele origin: de novo. Affected: yes. Observed: 1 heterozygote.
Comment: Its effect of p.R67W variatn is described in in vitro studies (PS3 criteria); the variant is absent in large databases (PM2 criteria). Various in silico tools predict the variant to be deleterious (PP3 criteria), and the p.R67W variant was described previously as pathogenic (PP5 criteria). Based on all the criteria, we consider p.R67W variant to be pathogenic.

Institute of Medical Genetics and Applied Genomics, University Hospital Tübingen
Classification: Pathogenic. Last evaluated: 2020-10-23. Review status: criteria provided, single submitter. Criteria: ACMG Guidelines, 2015. Collection method: clinical testing. Allele origin: germline. Inheritance: Unknown mechanism. Affected: yes.

NM_000891.3(KCNJ2):c.199C>T (p.Arg67Trp)

Gene: KCNJ2 (potassium inwardly rectifying channel subfamily J member 2; plus strand). Cytogenetic location: 17q24.3.
Variant type: single nucleotide variant.
Coding change: c.199C>T on transcript NM_000891.3 (MANE Select); coding-DNA position 199, C replaced by T.
Protein change: p.Arg67Trp; replaces arginine 67 with tryptophan.
Molecular consequence: missense variant.
Genome position (GRCh38, 1-based): chr17:70,175,238, C>T. VCF-style: chr17-70175238-C-T. GRCh37 (hg19) VCF-style: chr17-68171379-C-T.
Other names: R67W; p.R67W:CGG>TGG; p.R67W; c.199C>T (LRG_328t1).
Identifiers: ClinVar variation 8923 (VCV000008923.36), dbSNP rs104894580, ClinGen allele CA302015.